The following is an entry in ClinVar:

ClinVar aggregate classification (germline): Benign/Likely benign. Review status: criteria provided, multiple submitters, no conflicts (2 of 4 stars). 3 submissions from 3 submitters: Benign (1); Likely benign (2). Last evaluated 2026-01-14.

Allele frequency attached by ClinVar (database versions not stated): gnomAD 0.00051; 1000 Genomes Project 30x 0.00062; ESP Exome Variant Server 0.00066; TOPMed 0.00066.
gnomAD v4.1: 1,844 of 1,208,874 alleles (0.15%); highest among the groups gnomAD compares: South Asian, 0.45%; 2 homozygotes.

Submissions (3):

Labcorp Genetics (formerly Invitae), Labcorp
Classification: Benign. Last evaluated: 2026-01-14. Review status: criteria provided, single submitter. Criteria: Invitae Variant Classification Sherloc (09022015). Collection method: clinical testing. Allele origin: germline.

Blueprint Genetics
Classification: Likely benign. Last evaluated: 2024-11-14. Review status: criteria provided, single submitter. Criteria: ACMG Guidelines, 2015. Collection method: clinical testing. Allele origin: germline.

GeneDx
Classification: Likely benign. Last evaluated: 2015-05-27. Review status: criteria provided, single submitter. Criteria: GeneDx Variant Classification (06012015). Collection method: clinical testing. Allele origin: germline. Affected: yes.
Comment: This variant is considered likely benign or benign based on one or more of the following criteria: it is a conservative change, it occurs at a poorly conserved position in the protein, it is predicted to be benign by multiple in silico algorithms, and/or has population frequency not consistent with disease.

NM_000390.4(CHM):c.1100G>A (p.Arg367Gln)

Gene: CHM (CHM Rab escort protein; minus strand). Cytogenetic location: Xq21.2.
Variant type: single nucleotide variant.
Coding change: c.1100G>A on transcript NM_000390.4 (MANE Select); coding-DNA position 1100, G replaced by A.
Protein change: p.Arg367Gln; replaces arginine 367 with glutamine.
Molecular consequence: missense variant.
Genome position (GRCh38, 1-based): chrX:85,956,219, C>T on the plus strand (G>A on the coding strand, the complement: CHM is on the minus strand). VCF-style: chrX-85956219-C-T. GRCh37 (hg19) VCF-style: chrX-85211224-C-T.
Other names: c.656G>A, p.Arg219Gln (NM_001320959.1, NM_001362517.1, NM_001362518.2 and 1 more transcripts); c.1100G>A (LRG_699t1); short protein forms R367Q, R219Q.
Identifiers: ClinVar variation 379660 (VCV000379660.13), dbSNP rs76191025, ClinGen allele CA10465471.
Genomic context (GRCh38, chrX:85,956,219, plus strand): 5'-AAACACTGGGGGAGTTCTCCTTGGCCATATAAAGGAAACAAAAATGGAGTGTTGCCATAC[C>T]GCCCAAGACAGTGAAGAAAGTTTTTGGTAGCTTTGAGACCATCTATGGTGCTGCTGGCTG-3'
Protein context (NP_000381.1, residues 357-377): ATKNFLHCLG[Arg367Gln]YGNTPFLFPL